The following is an entry in ClinVar:

NM_000202.8(IDS):c.1048A>C (p.Asn350His)

Genes: IDS (iduronate 2-sulfatase; minus strand), LOC106050102 (IDS recombination region; plus strand). Cytogenetic location: Xq28.
Variant type: single nucleotide variant.
Coding change: c.1048A>C on transcript NM_000202.8 (MANE Select); coding-DNA position 1048, A replaced by C.
Protein change: p.Asn350His; replaces asparagine 350 with histidine.
Molecular consequence: missense variant.
Genome position (GRCh38, 1-based): chrX:149,487,057, T>G on the plus strand (A>C on the coding strand, the complement: IDS is on the minus strand). VCF-style: chrX-149487057-T-G. GRCh37 (hg19) VCF-style: chrX-148568588-T-G.
Other names: c.778A>C, p.Asn260His (NM_001166550.4); short protein forms N260H, N350H.
Identifiers: ClinVar variation 3255950 (VCV003255950.2).
Genomic context (GRCh38, chrX:149,487,057, plus strand): 5'-GTGAAGCCGTCCTTCCAGGAACATAGAATATCAGGGGAACATGGGTAGCAACATCAAAAT[T>G]GCTGTATTTGGCCCATTCTCCATGTTCACCTAGAGCCCACCCTAGTTCATAAAAAGCACA-3'
Protein context (NP_000193.1, residues 340-360): GEHGEWAKYS[Asn350His]FDVATHVPLI

ClinVar aggregate classification (germline): Likely pathogenic (1 of 4 stars; one submission).

Conditions:
Mucopolysaccharidosis, MPS-II (MPS2). Also called: Hunter Syndrome; IDURONATE 2-SULFATASE DEFICIENCY; Mucopolysaccharidosis Type II; Mucopolysaccharidosis type 2; Attenuated MPS (subtype; formerly known as mild MPS II); Severe MPS II. Identifiers: Orphanet 580, Orphanet 79388, MedGen C0026705, MONDO:0010674, OMIM 309900.

Submission:

Laboratory of Diagnosis and Therapy of Lysosomal Disorders, University of Padova
Classification: Likely pathogenic for Mucopolysaccharidosis, MPS-II. Last evaluated: 2024-06-07. Review status: criteria provided, single submitter. Criteria: ACMG Guidelines, 2015. Collection method: literature only. Allele origin: germline. Affected: yes. Observed: 5 variant alleles.
Comment: Prevalence of the variant significantly increased in affected individuals compared with controls (PS4_Supporting), Absent from controls (or at low frequency) in gnomAD database (PM2_Moderate), Missense variant in a gene with a low rate of benign missense variation (PP2_Supporting), Multiple lines of computational evidence support a deleterious effect (PP3_Supporting), Patient’s phenotype or family history highly specific for the disease (PP4_Strong)

Classification method: ACMG Guidelines [PMID:25741868] with modifications

Literature cited by the submitters: PubMed 18396123; PubMed 23800320; PubMed 21834048; PubMed 19046346; PubMed 22976768; PubMed 30639582.